The following is an entry in ClinVar:

ClinVar aggregate classification (germline): Conflicting classifications of pathogenicity. Review status: criteria provided, conflicting classifications (1 of 4 stars). 6 submissions from 6 submitters: Uncertain significance (5); Benign (1). Last evaluated 2026-06-24.

Conditions:
CACNA1C-related disorder. Also called: CACNA1C-related disorders; CACNA1C-related condition. Identifiers: MedGen CN381092, MONDO:0700321.
Timothy syndrome (TS). Also called: LONG QT SYNDROME WITH SYNDACTYLY. Identifiers: Orphanet 65283, MedGen C1832916, MeSH C536962, MONDO:0010979, OMIM 601005.
Brugada syndrome 3 (BRGDA3). Identifiers: Orphanet 130, MedGen C2678478, MONDO:0012742, OMIM 611875.
Long QT syndrome 8. Identifiers: MedGen CN260585, MONDO:0032756, OMIM 618447.
Cardiovascular phenotype. Identifiers: MedGen CN230736.
Long QT syndrome (LQTS). Identifiers: MedGen C0023976, MeSH D008133, MONDO:0002442. Disease mechanism: loss of function. Inheritance: Various modes of inheritance.

Allele frequency attached by ClinVar (database versions not stated): gnomAD 0.00007; 1000 Genomes Project 30x 0.00016; gnomAD exomes 0.00001 and 0.00002; ExAC 0.00004; TOPMed 0.00015; 1000 Genomes Project 0.00020.
gnomAD v4.1: 24 of 1,609,958 alleles (0.0015%); highest among the groups gnomAD compares: African/African-American, 0.028%; no homozygotes.

Submissions (6):

PreventionGenetics, part of Exact Sciences
Classification: Uncertain significance for CACNA1C-related condition. Last evaluated: 2026-06-24. Review status: criteria provided, single submitter. Criteria: ACMG Guidelines, 2015. Collection method: clinical testing. Allele origin: germline.
Comment: The CACNA1C c.5671G>C variant is predicted to result in the amino acid substitution p.Ala1891Pro. To our knowledge, this variant has not been reported in the literature. This variant is reported in 0.033% of alleles in individuals of African descent in gnomAD. At this time, the clinical significance of this variant is uncertain due to the absence of conclusive functional and genetic evidence.

Labcorp Genetics (formerly Invitae), Labcorp
Classification: Uncertain significance for Long QT syndrome. Last evaluated: 2026-01-24. Review status: criteria provided, single submitter. Criteria: Invitae Variant Classification Sherloc (09022015). Collection method: clinical testing. Allele origin: germline.
Comment: This sequence change replaces alanine, which is neutral and non-polar, with proline, which is neutral and non-polar, at codon 1891 of the CACNA1C protein (p.Ala1891Pro). This variant is present in population databases (rs542914369, gnomAD 0.03%). This variant has not been reported in the literature in individuals affected with CACNA1C-related conditions. ClinVar contains an entry for this variant (Variation ID: 279723). Invitae Evidence Modeling of protein sequence and biophysical properties (such as structural, functional, and spatial information, amino acid conservation, physicochemical variation, residue mobility, and thermodynamic stability) indicates that this missense variant is not expected to disrupt CACNA1C protein function with a negative predictive value of 95%. In summary, the available evidence is currently insufficient to determine the role of this variant in disease. Therefore, it has been classified as a Variant of Uncertain Significance.

Ambry Genetics
Classification: Benign for Cardiovascular phenotype. Last evaluated: 2024-11-10. Review status: criteria provided, single submitter. Criteria: Ambry Variant Classification Scheme 2023. Collection method: clinical testing. Allele origin: germline.

Fulgent Genetics
Classification: Uncertain significance for Timothy syndrome; Brugada syndrome 3; Long QT syndrome 8. Last evaluated: 2021-07-23. Review status: criteria provided, single submitter. Criteria: ACMG Guidelines, 2015. Collection method: clinical testing. Allele origin: unknown.

Blueprint Genetics
Classification: Uncertain significance. Last evaluated: 2020-12-21. Review status: criteria provided, single submitter. Criteria: ACMG Guidelines, 2015. Collection method: clinical testing. Allele origin: germline.

GeneDx
Classification: Uncertain significance. Last evaluated: 2016-01-07. Review status: criteria provided, single submitter. Criteria: GeneDx Variant Classification (06012015). Collection method: clinical testing. Allele origin: germline. Affected: yes.
Comment: The A1891P variant has not been published as a pathogenic variant, nor has it been reported as a benign variant to our knowledge. Although this variant was not observed in approximately 6,100 individuals of European and African American ancestry in the NHLBI Exome Sequencing Project, indicating it is not a common benign variant in these populations, the 1000 Genomes Project reports A1891P was observed in approximately 0.1% of alleles from individuals of African background. The A1891P variant is a semi-conservative amino acid substitution, which may impact secondary protein structure as these residues differ in some properties. However, this substitution occurs at a position that is not conserved across species and in silico analysis predicts this variant likely does not alter the protein structure/function. Furthermore, no pathogenic missense variants in nearby residues have been reported in the Human Gene Mutation Database (Stenson et al., 2014), indicating this region of the gene is not known to harbor pathogenic variants. Therefore, based on the currently available information, it is unclear whether this variant is pathogenic or rare benign.

NM_000719.7(CACNA1C):c.5671G>C (p.Ala1891Pro)

Genes: CACNA1C (calcium voltage-gated channel subunit alpha1 C; plus strand), CACNA1C-AS1 (CACNA1C antisense RNA 1; minus strand). Cytogenetic location: 12p13.33.
Variant type: single nucleotide variant.
Coding change: c.5671G>C on transcript NM_000719.7 (MANE Select); coding-DNA position 5671, G replaced by C.
Protein change: p.Ala1891Pro; replaces alanine 1891 with proline.
Molecular consequence: missense variant.
Genome position (GRCh38, 1-based): chr12:2,685,833, G>C. VCF-style: chr12-2685833-G-C. GRCh37 (hg19) VCF-style: chr12-2794999-G-C.
Other names: c.5815G>C, p.Ala1939Pro (NM_001129827.2); c.5794G>C, p.Ala1932Pro (NM_001129829.2); c.5776G>C, p.Ala1926Pro (NM_001129830.3, NM_001167624.3); c.5755G>C, p.Ala1919Pro (NM_001129831.2); c.5731G>C, p.Ala1911Pro (NM_001129832.2); c.5728G>C, p.Ala1910Pro (NM_001129833.2, NM_001129834.2, NM_001129835.2); c.5722G>C, p.Ala1908Pro (NM_001129836.2); c.5695G>C, p.Ala1899Pro (NM_001129837.2, NM_001129838.2); and 6 more; short protein forms A1939P, A1891P, A1926P, A1897P, A1951P, A1880P, A1888P, A1899P.
Identifiers: ClinVar variation 279723 (VCV000279723.16), dbSNP rs542914369, ClinGen allele CA6389921.
Genomic context (GRCh38, chr12:2,685,833, plus strand): 5'-CTCCCAGAGGAGGACAAGAGGGACATCCGGCAATCTCCGAAGAGGGGTTTCCTCCGCTCT[G>C]CCTCACTAGGTAAATGCACCGCTCGCTCTCTGGATGTGGTCGGCGGTTACTCCCTAGAGA-3'
Protein context (NP_000710.5, residues 1881-1901): QSPKRGFLRS[Ala1891Pro]SLGRRASFHL